The following is an entry in ClinVar:

NM_000155.3(GALT):c.-839_-837dupTTT

Gene: GALT (galactose-1-phosphate uridylyltransferase; plus strand). Cytogenetic location: 9p13.3.
Variant type: Duplication.
Coding change: c.-839_-837dupTTT on transcript NM_000155.3; 839 bases upstream of the start codon through 837 bases upstream of the start codon, 3 bases duplicated (TTT).
Genome position (GRCh38, 1-based): chr9:34,645,866-34,645,868, TTT duplicated; duplicating any 3 consecutive bases within chr9:34,645,849-34,645,868 gives the same sequence; the c. name uses the placement nearest the transcript's 3' end. VCF-style (leftmost placement, unchanged base first): chr9-34645848-A-ATTT. GRCh37 (hg19) VCF-style: chr9-34645845-A-ATTT.
Identifiers: ClinVar variation 1331424 (VCV001331424.3), dbSNP rs549043849, ClinGen allele CA587243223.
Genomic context (GRCh38, chr9:34,645,848, plus strand): 5'-TCTCCTGCCTCAGCCTCCCGAGTAGGTGGGACTACAGGTGCACGCCACCAAGACCAGCTA[A>ATTT]TTTTTTTTTTTTTTTTTTTTACTAGAGACGGGGTTTCACCATGTTGGCCAGGATGGTCTC-3'

ClinVar aggregate classification (germline): Benign (1 of 4 stars; one submission).

Submission:

Women's Health and Genetics/Laboratory Corporation of America, LabCorp
Classification: Benign. Last evaluated: 2021-12-16. Review status: criteria provided, single submitter. Criteria: LabCorp Variant Classification Summary - May 2015. Collection method: clinical testing. Allele origin: germline.
Comment: Variant summary: GALT c.-839_-837dupTTT is located in the untranscribed region upstream of the GALT gene region. The variant allele was found at a frequency of 0.24 in 124282 control chromosomes in the gnomAD v3.1.2 database, including 3940 homozygotes. The observed variant frequency is approximately 83-fold of the estimated maximal expected allele frequency for a pathogenic variant in GALT causing Galactosemia phenotype (0.0029), strongly suggesting that the variant is benign. To our knowledge, no occurrence of c.-839_-837dupTTT in individuals affected with Galactosemia and no experimental evidence demonstrating its impact on protein function have been reported. No clinical diagnostic laboratories have submitted clinical-significance assessments for this variant to ClinVar after 2014. Based on the evidence outlined above, the variant was classified as benign.